The following is an entry in ClinVar:

ClinVar aggregate classification (germline): Uncertain significance (1 of 4 stars; one submission).

gnomAD v4.1: 1 of 1,614,118 alleles (0.000062%); highest among the groups gnomAD compares: Non-Finnish European, 0.000085%; no homozygotes.

Submission:

Labcorp Genetics (formerly Invitae), Labcorp
Classification: Uncertain significance. Last evaluated: 2025-01-20. Review status: criteria provided, single submitter. Criteria: Invitae Variant Classification Sherloc (09022015). Collection method: clinical testing. Allele origin: germline.
Comment: This sequence change replaces tyrosine, which is neutral and polar, with serine, which is neutral and polar, at codon 1030 of the FLNB protein (p.Tyr1030Ser). This variant is not present in population databases (gnomAD no frequency). This variant has not been reported in the literature in individuals affected with FLNB-related conditions. Invitae Evidence Modeling of protein sequence and biophysical properties (such as structural, functional, and spatial information, amino acid conservation, physicochemical variation, residue mobility, and thermodynamic stability) indicates that this missense variant is not expected to disrupt FLNB protein function with a negative predictive value of 80%. In summary, the available evidence is currently insufficient to determine the role of this variant in disease. Therefore, it has been classified as a Variant of Uncertain Significance.

NM_001457.4(FLNB):c.3089A>C (p.Tyr1030Ser)

Gene: FLNB (filamin B; plus strand). Cytogenetic location: 3p14.3.
Variant type: single nucleotide variant.
Coding change: c.3089A>C on transcript NM_001457.4 (MANE Select); coding-DNA position 3089, A replaced by C.
Protein change: p.Tyr1030Ser; replaces tyrosine 1030 with serine.
Molecular consequence: missense variant.
Genome position (GRCh38, 1-based): chr3:58,121,466, A>C. VCF-style: chr3-58121466-A-C. GRCh37 (hg19) VCF-style: chr3-58107193-A-C.
Other names: c.3089A>C, p.Tyr1030Ser (NM_001164317.2, NM_001164318.2, NM_001164319.2); short protein forms Y1030S.
Identifiers: ClinVar variation 3635718 (VCV003635718.2).